The following is an entry in ClinVar:

ClinVar aggregate classification (germline): Conflicting classifications of pathogenicity. Review status: criteria provided, conflicting classifications (1 of 4 stars). 3 submissions from 3 submitters: Uncertain significance (2); Benign (1). Last evaluated 2025-10-31.

Conditions:
Primary ciliary dyskinesia. Also called: Ciliary dyskinesia. Identifiers: Orphanet 244, MedGen C0008780, MONDO:0016575, HP:0012265.

Allele frequency attached by ClinVar (database versions not stated): ExAC 0.00005; gnomAD 0.00005 and 0.00006; gnomAD exomes 0.00006; ESP Exome Variant Server 0.00008; TOPMed 0.00010.
gnomAD v4.1: 99 of 1,613,450 alleles (0.0061%); highest among the groups gnomAD compares: Non-Finnish European, 0.0075%; no homozygotes.

Submissions (3):

Labcorp Genetics (formerly Invitae), Labcorp
Classification: Benign for Primary ciliary dyskinesia. Last evaluated: 2025-10-31. Review status: criteria provided, single submitter. Criteria: Invitae Variant Classification Sherloc (09022015). Collection method: clinical testing. Allele origin: germline.

Blueprint Genetics
Classification: Uncertain significance. Last evaluated: 2024-09-06. Review status: criteria provided, single submitter. Criteria: ACMG Guidelines, 2015. Collection method: clinical testing. Allele origin: germline.

Ambry Genetics
Classification: Uncertain significance for Primary ciliary dyskinesia. Last evaluated: 2014-06-09. Review status: criteria provided, single submitter. Criteria: Ambry Variant Classification Scheme 2023. Collection method: clinical testing. Allele origin: germline.
Comment: The p.Q1014E variant (also known as c.3040C>G), located in coding exon 16 of the DNAH11 gene, results from a C to G substitution at nucleotide position 3040. The glutamine at codon 1014 is replaced by glutamic acid, an amino acid with highly similar properties. Based on data from the NHLBI Exome Sequencing Project (ESP), the G allele has an overall frequency of approximately 0.01% (1/12260) total alleles studied and 0.01% (1/8330) European American alleles. This amino acid position is moderately conserved in available vertebrate species. In addition, this alteration is predicted to be tolerated by in silico analysis. Since supporting evidence is limited at this time, the clinical significance of this variant remains unclear.

NM_001277115.2(DNAH11):c.3040C>G (p.Gln1014Glu)

Genes: DNAH11 (dynein axonemal heavy chain 11; plus strand), LOC126859961 (BRD4-independent group 4 enhancer GRCh37_chr7:21639662-21640861; plus strand). Cytogenetic location: 7p15.3.
Variant type: single nucleotide variant.
Coding change: c.3040C>G on transcript NM_001277115.2 (MANE Select); coding-DNA position 3040, C replaced by G.
Protein change: p.Gln1014Glu; replaces glutamine 1014 with glutamic acid.
Molecular consequence: missense variant.
Genome position (GRCh38, 1-based): chr7:21,600,715, C>G. VCF-style: chr7-21600715-C-G. GRCh37 (hg19) VCF-style: chr7-21640333-C-G.
Other names: c.3040C>G (NM_003777.3); short protein forms Q1014E.
Identifiers: ClinVar variation 854124 (VCV000854124.13), dbSNP rs375314297, ClinGen allele CA4179518.